The following is an entry in ClinVar:

ClinVar aggregate classification (germline): Uncertain significance (1 of 4 stars; one submission).

Conditions:
Emery-Dreifuss muscular dystrophy 4, autosomal dominant (EDMD4). Also called: EMERY-DREIFUSS MUSCULAR DYSTROPHY 4 WITH VARIABLE FEATURES. Identifiers: Orphanet 261, MedGen C2751807, MONDO:0013071, OMIM 612998.
Autosomal recessive ataxia, Beauce type. Also called: Spinocerebellar ataxia, autosomal recessive 8; ATAXIA, RECESSIVE, OF BEAUCE; SYNE1-Related Autosomal Recessive Cerebellar Ataxia; SYNE1 Deficiency. Identifiers: Orphanet 88644, MedGen C1853116, MONDO:0012549, OMIM 610743.

gnomAD v4.1: 1 of 1,613,718 alleles (0.000062%); highest among the groups gnomAD compares: Admixed American, 0.0017%; no homozygotes.

Submission:

Labcorp Genetics (formerly Invitae), Labcorp
Classification: Uncertain significance for Emery-Dreifuss muscular dystrophy 4, autosomal dominant; Autosomal recessive ataxia, Beauce type. Last evaluated: 2025-11-24. Review status: criteria provided, single submitter. Criteria: Invitae Variant Classification Sherloc (09022015). Collection method: clinical testing. Allele origin: germline.
Comment: This sequence change replaces threonine, which is neutral and polar, with arginine, which is basic and polar, at codon 5297 of the SYNE1 protein (p.Thr5297Arg). This variant is present in population databases (no rsID available, gnomAD 0.003%). This variant has not been reported in the literature in individuals affected with SYNE1-related conditions. ClinVar contains an entry for this variant (Variation ID: 3761898). An algorithm developed to predict the effect of missense changes on protein structure and function (PolyPhen-2) suggests that this variant is likely to be tolerated. In summary, the available evidence is currently insufficient to determine the role of this variant in disease. Therefore, it has been classified as a Variant of Uncertain Significance.

NM_182961.4(SYNE1):c.16103C>G (p.Thr5368Arg)

Gene: SYNE1 (spectrin repeat containing nuclear envelope protein 1; minus strand). Cytogenetic location: 6q25.2.
Variant type: single nucleotide variant.
Coding change: c.16103C>G on transcript NM_182961.4 (MANE Select); coding-DNA position 16103, C replaced by G.
Protein change: p.Thr5368Arg; replaces threonine 5368 with arginine.
Molecular consequence: missense variant.
Genome position (GRCh38, 1-based): chr6:152,321,371, G>C on the plus strand (C>G on the coding strand, the complement: SYNE1 is on the minus strand). VCF-style: chr6-152321371-G-C. GRCh37 (hg19) VCF-style: chr6-152642506-G-C.
Other names: c.15890C>G, p.Thr5297Arg (NM_033071.5); short protein forms T5297R, T5368R.
Identifiers: ClinVar variation 3761898 (VCV003761898.2).